The following is an entry in ClinVar:

ClinVar aggregate classification (germline): Conflicting classifications of pathogenicity. Review status: criteria provided, conflicting classifications (1 of 4 stars). 3 submissions from 3 submitters: Uncertain significance (2); Likely benign (1). Last evaluated 2025-12-10.

Conditions:
Cardiovascular phenotype. Identifiers: MedGen CN230736.
Dilated cardiomyopathy 1DD (CMD1DD). Identifiers: Orphanet 154, MedGen C2750995, MONDO:0013168, OMIM 613172.

Allele frequency attached by ClinVar (database versions not stated): gnomAD exomes 0.00001.
gnomAD v4.1: 2 of 1,520,514 alleles (0.00013%); highest among the groups gnomAD compares: East Asian, 0.0053%; no homozygotes.

Submissions (3):

Labcorp Genetics (formerly Invitae), Labcorp
Classification: Likely benign for Dilated cardiomyopathy 1DD. Last evaluated: 2025-12-10. Review status: criteria provided, single submitter. Criteria: Invitae Variant Classification Sherloc (09022015). Collection method: clinical testing. Allele origin: germline.

Women's Health and Genetics/Laboratory Corporation of America, LabCorp
Classification: Uncertain significance. Last evaluated: 2025-02-13. Review status: criteria provided, single submitter. Criteria: LabCorp Variant Classification Summary - May 2015. Collection method: clinical testing. Allele origin: germline.

Ambry Genetics
Classification: Uncertain significance for Cardiovascular phenotype. Last evaluated: 2024-05-22. Review status: criteria provided, single submitter. Criteria: Ambry Variant Classification Scheme 2023. Collection method: clinical testing. Allele origin: germline.
Comment: The p.Q9H variant (also known as c.27G>C), located in coding exon 1 of the RBM20 gene, results from a G to C substitution at nucleotide position 27. The glutamine at codon 9 is replaced by histidine, an amino acid with highly similar properties. This amino acid position is highly conserved in available vertebrate species. In addition, the in silico prediction for this alteration is inconclusive. Since supporting evidence is limited at this time, the clinical significance of this alteration remains unclear.

NM_001134363.3(RBM20):c.27G>C (p.Gln9His)

Gene: RBM20 (RNA binding motif protein 20; plus strand). Cytogenetic location: 10q25.2.
Variant type: single nucleotide variant.
Coding change: c.27G>C on transcript NM_001134363.3 (MANE Select); coding-DNA position 27, G replaced by C.
Protein change: p.Gln9His; replaces glutamine 9 with histidine.
Molecular consequence: missense variant.
Genome position (GRCh38, 1-based): chr10:110,644,481, G>C. VCF-style: chr10-110644481-G-C. GRCh37 (hg19) VCF-style: chr10-112404239-G-C.
Other names: short protein forms Q9H.
Identifiers: ClinVar variation 957630 (VCV000957630.11), dbSNP rs1157177960, ClinGen allele CA378527321.